The following is an entry in ClinVar:

NM_000222.3(KIT):c.1679_1680inv (p.Val560Glu)

Gene: KIT (KIT proto-oncogene, receptor tyrosine kinase; plus strand). Cytogenetic location: 4q12.
Variant type: Inversion.
Coding change: c.1679_1680inv on transcript NM_000222.3 (MANE Select).
Protein change: p.Val560Glu; replaces valine 560 with glutamic acid.
Molecular consequence: missense variant.
Genome position: GRCh38 VCF-style: chr4-54727447-TT-AA. GRCh37 (hg19) VCF-style: chr4-55593613-TT-AA.
Other names: c.1667_1668inv, p.Val556Glu (NM_001093772.2, NM_001385286.1); c.1682_1683inv, p.Val561Glu (NM_001385284.1, NM_001385290.1); c.1679_1680inv, p.Val560Glu (NM_001385285.1); c.1670_1671inv, p.Val557Glu (NM_001385288.1, NM_001385292.1); short protein forms V556E, V560E, V557E, V561E.
Identifiers: ClinVar variation 376735 (VCV000376735.2), ClinGen allele CA16603143.

ClinVar aggregate classification (oncogenicity): Likely oncogenic (0 of 4 stars; one submission).

Conditions:
Gastrointestinal stromal tumor. Also called: Gastrointestinal stromal tumor, somatic; Gastrointestinal stroma tumor. Identifiers: Orphanet 44890, MedGen C0238198, MeSH D046152, MONDO:0011719, OMIM 606764, HP:0100723.

Submission:

National Institute of Cancer Research, National Health Research Institutes
Classification: Likely oncogenic for Gastrointestinal stromal tumor. Review status: no assertion criteria provided. Collection method: research. Allele origin: somatic. Affected: yes. Observed: 3 variant alleles.
Comment: the literature